The following is an entry in ClinVar:

ClinVar aggregate classification (germline): Pathogenic/Likely pathogenic. Review status: criteria provided, multiple submitters, no conflicts (2 of 4 stars). 4 submissions from 4 submitters: Pathogenic (3); Likely pathogenic (1). Last evaluated 2026-10-18.

Conditions:
Cardiovascular phenotype. Identifiers: MedGen CN230736.
Long QT syndrome (LQTS). Identifiers: MedGen C0023976, MeSH D008133, MONDO:0002442. Disease mechanism: loss of function. Inheritance: Various modes of inheritance.

gnomAD v4.1: 2 of 1,612,098 alleles (0.00012%); highest among the groups gnomAD compares: Admixed American, 0.0033%; no homozygotes.

Submissions (4):

GeneDx
Classification: Pathogenic. Last evaluated: 2026-10-18. Review status: criteria provided, single submitter. Criteria: GeneDx Variant Classification Process June 2021. Collection method: clinical testing. Allele origin: germline.
Comment: Nonsense variant predicted to result in protein truncation or nonsense mediated decay in a gene for which loss of function is a known mechanism of disease; A different nucleotide change, c.1382dupA, leading to the same nonsense variant has been described in a patient with a mildly prolonged QTc interval in published literature (PMID: 24070608); Not observed at significant frequency in large population cohorts (gnomAD); Has not been previously published as pathogenic or benign to our knowledge; This variant is associated with the following publications: (PMID: 27761162, 24070608)

Labcorp Genetics (formerly Invitae), Labcorp
Classification: Pathogenic for Long QT syndrome. Last evaluated: 2025-02-19. Review status: criteria provided, single submitter. Criteria: Invitae Variant Classification Sherloc (09022015). Collection method: clinical testing. Allele origin: germline.
Comment: This sequence change creates a premature translational stop signal (p.Tyr461*) in the KCNQ1 gene. It is expected to result in an absent or disrupted protein product. Loss-of-function variants in KCNQ1 are known to be pathogenic (PMID: 9323054, 19862833). This variant is present in population databases (rs794728527, gnomAD 0.006%). This premature translational stop signal has been observed in individual(s) with mild QT prolongation (PMID: 24070608). ClinVar contains an entry for this variant (Variation ID: 200843). For these reasons, this variant has been classified as Pathogenic.

Ambry Genetics
Classification: Pathogenic for Cardiovascular phenotype. Last evaluated: 2018-05-11. Review status: criteria provided, single submitter. Criteria: Ambry Variant Classification Scheme 2023. Collection method: clinical testing. Allele origin: germline.
Comment: The p.Y461* pathogenic mutation (also known as c.1383T>A), located in coding exon 10 of the KCNQ1 gene, results from a T to A substitution at nucleotide position 1383. This changes the amino acid from a tyrosine to a stop codon within coding exon 10. This alteration was reported in heterozygous state in an individual with a mildly prolonged corrected QTc (Kimoto K et al. Biochem. Biophys. Res. Commun., 2013 Oct;440:283-8). In addition to the clinical data presented in the literature, this alteration is expected to result in loss of function by premature protein truncation or nonsense-mediated mRNA decay. As such, this alteration is interpreted as a disease-causing mutation.

Stanford Center for Inherited Cardiovascular Disease, Stanford University
Classification: Likely pathogenic. Last evaluated: 2012-06-13. Review status: criteria provided, single submitter. Criteria: ACMG Guidelines, 2015. Collection method: provider interpretation. Allele origin: germline.

Literature cited by the submitters: PubMed 9323054 (cited by Labcorp Genetics (formerly Invitae), Labcorp); PubMed 19862833 (cited by Labcorp Genetics (formerly Invitae), Labcorp); PubMed 24070608 (cited by Labcorp Genetics (formerly Invitae), Labcorp and Ambry Genetics).

NM_000218.3(KCNQ1):c.1383T>A (p.Tyr461Ter)

Gene: KCNQ1 (potassium voltage-gated channel subfamily Q member 1; plus strand). Cytogenetic location: 11p15.5.
Variant type: single nucleotide variant.
Coding change: c.1383T>A on transcript NM_000218.3 (MANE Select); coding-DNA position 1383, T replaced by A.
Protein change: p.Tyr461Ter; replaces tyrosine 461 with a stop codon.
Molecular consequence: nonsense.
Genome position (GRCh38, 1-based): chr11:2,588,844, T>A. VCF-style: chr11-2588844-T-A. GRCh37 (hg19) VCF-style: chr11-2610074-T-A.
Other names: c.1287T>A, p.Tyr429Ter (NM_001406836.1); c.1113T>A, p.Tyr371Ter (NM_001406837.1); c.843T>A, p.Tyr281Ter (NM_001406838.1); c.1002T>A, p.Tyr334Ter (NM_181798.2); short protein forms Y334*, Y461*, Y281*, Y429*, Y371*.
Identifiers: ClinVar variation 200843 (VCV000200843.17), dbSNP rs794728527, ClinGen allele CA005715.